The following is an entry in ClinVar:

ClinVar aggregate classification (germline): Uncertain significance. Review status: criteria provided, multiple submitters, no conflicts (2 of 4 stars). 2 submissions from 2 submitters: Uncertain significance (2). Last evaluated 2025-12-04.

Conditions:
Inborn genetic diseases. Identifiers: MedGen C0950123, MeSH D030342.

gnomAD v4.1: 1 of 1,614,124 alleles (0.000062%); highest among the groups gnomAD compares: Non-Finnish European, 0.000085%; no homozygotes.

Submissions (2):

Ambry Genetics
Classification: Uncertain significance for Inborn genetic diseases. Last evaluated: 2025-12-04. Review status: criteria provided, single submitter. Criteria: Ambry Variant Classification Scheme 2023. Collection method: clinical testing. Allele origin: germline.

Labcorp Genetics (formerly Invitae), Labcorp
Classification: Uncertain significance. Last evaluated: 2025-04-10. Review status: criteria provided, single submitter. Criteria: Invitae Variant Classification Sherloc (09022015). Collection method: clinical testing. Allele origin: germline.
Comment: This sequence change replaces isoleucine, which is neutral and non-polar, with leucine, which is neutral and non-polar, at codon 905 of the SETBP1 protein (p.Ile905Leu). This variant is not present in population databases (gnomAD no frequency). This variant has not been reported in the literature in individuals affected with SETBP1-related conditions. Invitae Evidence Modeling of protein sequence and biophysical properties (such as structural, functional, and spatial information, amino acid conservation, physicochemical variation, residue mobility, and thermodynamic stability) indicates that this missense variant is not expected to disrupt SETBP1 protein function with a negative predictive value of 80%. In summary, the available evidence is currently insufficient to determine the role of this variant in disease. Therefore, it has been classified as a Variant of Uncertain Significance.

NM_015559.3(SETBP1):c.2713A>C (p.Ile905Leu)

Gene: SETBP1 (SET binding protein 1; plus strand). Cytogenetic location: 18q12.3.
Variant type: single nucleotide variant.
Coding change: c.2713A>C on transcript NM_015559.3 (MANE Select); coding-DNA position 2713, A replaced by C.
Protein change: p.Ile905Leu; replaces isoleucine 905 with leucine.
Molecular consequence: missense variant.
Genome position (GRCh38, 1-based): chr18:44,952,053, A>C. VCF-style: chr18-44952053-A-C. GRCh37 (hg19) VCF-style: chr18-42532018-A-C.
Other names: c.2713A>C, p.Ile905Leu (NM_001379141.1, NM_001379142.1, NM_001410862.1); short protein forms I905L.
Identifiers: ClinVar variation 4630527 (VCV004630527.2).